The following is an entry in ClinVar:

ClinVar aggregate classification (germline): Uncertain significance (1 of 4 stars; one submission).

gnomAD v4.1: 1 of 1,603,948 alleles (0.000062%); highest among the groups gnomAD compares: Non-Finnish European, 0.000085%; no homozygotes.

Submission:

Labcorp Genetics (formerly Invitae), Labcorp
Classification: Uncertain significance. Last evaluated: 2025-08-31. Review status: criteria provided, single submitter. Criteria: Invitae Variant Classification Sherloc (09022015). Collection method: clinical testing. Allele origin: germline.
Comment: This sequence change replaces threonine, which is neutral and polar, with proline, which is neutral and non-polar, at codon 368 of the GUCY2C protein (p.Thr368Pro). This variant is not present in population databases (gnomAD no frequency). This variant has not been reported in the literature in individuals affected with GUCY2C-related conditions. Invitae Evidence Modeling of protein sequence and biophysical properties (such as structural, functional, and spatial information, amino acid conservation, physicochemical variation, residue mobility, and thermodynamic stability) indicates that this missense variant is not expected to disrupt GUCY2C protein function with a negative predictive value of 80%. In summary, the available evidence is currently insufficient to determine the role of this variant in disease. Therefore, it has been classified as a Variant of Uncertain Significance.

NM_004963.4(GUCY2C):c.1102A>C (p.Thr368Pro)

Genes: GUCY2C (guanylate cyclase 2C; minus strand), GUCY2C-AS1 (GUCY2C antisense RNA 1; plus strand). Cytogenetic location: 12p12.3.
Variant type: single nucleotide variant.
Coding change: c.1102A>C on transcript NM_004963.4 (MANE Select); coding-DNA position 1102, A replaced by C.
Protein change: p.Thr368Pro; replaces threonine 368 with proline.
Molecular consequence: missense variant.
Genome position (GRCh38, 1-based): chr12:14,672,941, T>G on the plus strand (A>C on the coding strand, the complement: GUCY2C is on the minus strand). VCF-style: chr12-14672941-T-G. GRCh37 (hg19) VCF-style: chr12-14825875-T-G.
Other names: short protein forms T368P.
Identifiers: ClinVar variation 4768645 (VCV004768645.1).